The following is an entry in ClinVar:

ClinVar aggregate classification (germline): Benign (3 of 4 stars; one submission).

Conditions:
Breast-ovarian cancer, familial, susceptibility to, 1 (BROVCA1). Also called: BRCA1 Hereditary Breast and Ovarian Cancer; OVARIAN CANCER, SUSCEPTIBILITY TO. Identifiers: Orphanet 145, MedGen C2676676, MONDO:0011450, OMIM 604370. Disease mechanism: loss of function.

Allele frequency attached by ClinVar (database versions not stated): 1000 Genomes Project 30x 0.00344; gnomAD 0.00348 and 0.00382; 1000 Genomes Project 0.00359; TOPMed 0.00408.
gnomAD v4.1: 525 of 152,106 alleles (0.35%); highest among the groups gnomAD compares: African/African-American, 1.2%; 4 homozygotes.

Submission:

Evidence-based Network for the Interpretation of Germline Mutant Alleles (ENIGMA)
Classification: Benign for Breast-ovarian cancer, familial 1. Last evaluated: 2015-01-12. Review status: reviewed by expert panel. Criteria: ENIGMA BRCA1/2 Classification Criteria (2015). Collection method: curation. Allele origin: germline.
Comment: Class 1 not pathogenic based on frequency >1% in an outbred sampleset. Frequency 0.02846 (African), derived from 1000 genomes (2012-04-30).

NM_007294.4(BRCA1):c.134+2570A>C

Gene: BRCA1 (BRCA1 DNA repair associated; minus strand). Cytogenetic location: 17q21.31.
Variant type: single nucleotide variant.
Coding change: c.134+2570A>C on transcript NM_007294.4 (MANE Select); 2570 bases into the intron after coding-DNA position 134, A replaced by C.
Molecular consequence: intron variant.
Genome position (GRCh38, 1-based): chr17:43,113,156, T>G on the plus strand (A>C on the coding strand, the complement: BRCA1 is on the minus strand). VCF-style: chr17-43113156-T-G. GRCh37 (hg19) VCF-style: chr17-41265173-T-G.
Other names: IVS 3+2570A>C; c.-8+2570A>C (NM_001408458.1, NM_001408470.1, NM_001407848.1 and 47 more transcripts); c.-219+12121A>C (NM_001407967.1); c.-169-8200A>C (NM_001407959.1, NM_001407963.1); c.-7-6623A>C (NM_001407931.1, NM_001407747.1, NM_001408461.1 and 30 more transcripts); c.-170+2570A>C (NM_001407962.1, NM_001408512.1, NM_001408510.1 and 1 more transcripts); c.-55+2570A>C (NM_001407885.1, NM_001407886.1, NM_001408509.1 and 52 more transcripts); c.-124+2570A>C (NM_001407746.1, NM_001408468.1, NM_001407842.1 and 13 more transcripts); and 10 more.
Identifiers: ClinVar variation 209523 (VCV000209523.2), dbSNP rs138040784, ClinGen allele CA276492.